The following is an entry in ClinVar:

NM_001040108.2(MLH3):c.837C>G (p.Cys279Trp)

Gene: MLH3 (mutL homolog 3; minus strand). Cytogenetic location: 14q24.3.
Variant type: single nucleotide variant.
Coding change: c.837C>G on transcript NM_001040108.2 (MANE Select); coding-DNA position 837, C replaced by G.
Protein change: p.Cys279Trp; replaces cysteine 279 with tryptophan.
Molecular consequence: missense variant.
Genome position (GRCh38, 1-based): chr14:75,048,819, G>C on the plus strand (C>G on the coding strand, the complement: MLH3 is on the minus strand). VCF-style: chr14-75048819-G-C. GRCh37 (hg19) VCF-style: chr14-75515522-G-C.
Other names: c.837C>G, p.Cys279Trp (NM_014381.3); short protein forms C279W.
Identifiers: ClinVar variation 4723330 (VCV004723330.1).

ClinVar aggregate classification (germline): Uncertain significance (1 of 4 stars; one submission).

Conditions:
Colorectal cancer, hereditary nonpolyposis, type 7. Identifiers: Orphanet 144, MedGen C1858380, MONDO:0013725, OMIM 614385.

gnomAD v4.1: 1 of 1,614,098 alleles (0.000062%); highest among the groups gnomAD compares: South Asian, 0.0011%; no homozygotes.

Submission:

Labcorp Genetics (formerly Invitae), Labcorp
Classification: Uncertain significance for Colorectal cancer, hereditary nonpolyposis, type 7. Last evaluated: 2025-07-16. Review status: criteria provided, single submitter. Criteria: Invitae Variant Classification Sherloc (09022015). Collection method: clinical testing. Allele origin: germline.
Comment: This sequence change replaces cysteine, which is neutral and slightly polar, with tryptophan, which is neutral and slightly polar, at codon 279 of the MLH3 protein (p.Cys279Trp). This variant is not present in population databases (gnomAD no frequency). This variant has not been reported in the literature in individuals affected with MLH3-related conditions. An algorithm developed to predict the effect of missense changes on protein structure and function (PolyPhen-2) suggests that this variant is likely to be disruptive. In summary, the available evidence is currently insufficient to determine the role of this variant in disease. Therefore, it has been classified as a Variant of Uncertain Significance.